The following is an entry in ClinVar:

NM_001267550.2(TTN):c.80876G>A (p.Gly26959Asp)

Genes: TTN (titin; minus strand), TTN-AS1 (TTN antisense RNA 1; plus strand). Cytogenetic location: 2q31.2.
Variant type: single nucleotide variant.
Coding change: c.80876G>A on transcript NM_001267550.2 (MANE Select); coding-DNA position 80876, G replaced by A.
Protein change: p.Gly26959Asp; replaces glycine 26959 with aspartic acid.
Molecular consequence: missense variant.
Genome position (GRCh38, 1-based): chr2:178,565,256, C>T on the plus strand (G>A on the coding strand, the complement: TTN is on the minus strand). VCF-style: chr2-178565256-C-T. GRCh37 (hg19) VCF-style: chr2-179429983-C-T.
Other names: c.75953G>A, p.Gly25318Asp (NM_001256850.1); c.53681G>A, p.Gly17894Asp (NM_003319.4); c.73172G>A, p.Gly24391Asp (NM_133378.4); c.54056G>A, p.Gly18019Asp (NM_133432.3); c.54257G>A, p.Gly18086Asp (NM_133437.4); c.80876G>A (NM_001267550.1); short protein forms G26959D, G24391D, G18086D, G17894D, G18019D, G25318D.
Identifiers: ClinVar variation 196067 (VCV000196067.8), dbSNP rs768259414, ClinGen allele CA242828.
Genomic context (GRCh38, chr2:178,565,256, plus strand): 5'-GGGCCAACTGGAGGTCCAGGCTTTTCTAAAACGATAACACTGAGATTTTCTGTTGCTGTG[C>T]CTGCACTATTTGTTGCCGTTACGGTGTATTTTCCAAAGTCATCTTTGTTACCTTCTTTAA-3'
Protein context (NP_001254479.2, residues 26949-26969): KYTVTATNSA[Gly26959Asp]TATENLSVIV

ClinVar aggregate classification (germline): Uncertain significance. Review status: criteria provided, multiple submitters, no conflicts (2 of 4 stars). 3 submissions from 3 submitters: Uncertain significance (3). Last evaluated 2026-03-24.

Conditions:
Dilated cardiomyopathy 1G (CMD1G). Identifiers: Orphanet 154, MedGen C1858763, MONDO:0011400, OMIM 604145.
Autosomal recessive limb-girdle muscular dystrophy type 2J (LGMDR10). Also called: Limb-girdle muscular dystrophy, type 2J; MUSCULAR DYSTROPHY, LIMB-GIRDLE, AUTOSOMAL RECESSIVE 10. Identifiers: Orphanet 140922, MedGen C1837342, MONDO:0012127, OMIM 608807.

Allele frequency attached by ClinVar (database versions not stated): ExAC 0.00001; gnomAD exomes below 0.00001.
gnomAD v4.1: 2 of 1,613,620 alleles (0.00012%); highest among the groups gnomAD compares: Non-Finnish European, 0.00017%; no homozygotes.

Submissions (3):

GeneDx
Classification: Uncertain significance. Last evaluated: 2026-03-24. Review status: criteria provided, single submitter. Criteria: GeneDx Variant Classification Process June 2021. Collection method: clinical testing. Allele origin: germline.
Comment: Not observed at significant frequency in large population cohorts (gnomAD); Missense variant in a gene in which most reported pathogenic variants are truncating/loss of function; Has not been previously published as pathogenic or benign in association with a TTN-related disorder to our knowledge; This variant is associated with the following publications: (PMID: 39674365)

Labcorp Genetics (formerly Invitae), Labcorp
Classification: Uncertain significance for Dilated cardiomyopathy 1G; Autosomal recessive limb-girdle muscular dystrophy type 2J. Last evaluated: 2017-06-12. Review status: criteria provided, single submitter. Criteria: Invitae Variant Classification Sherloc (09022015). Collection method: clinical testing. Allele origin: germline.

Eurofins Ntd Llc (ga)
Classification: Uncertain significance. Last evaluated: 2015-05-21. Review status: criteria provided, single submitter. Criteria: EGL Classification Definitions 2015. Collection method: clinical testing. Allele origin: germline. Observed: 1 variant allele, 1 heterozygote.